The following is an entry in ClinVar:

NM_133444.3(ZNF526):c.886C>G (p.His296Asp)

Gene: ZNF526 (zinc finger protein 526; plus strand). Cytogenetic location: 19q13.2.
Variant type: single nucleotide variant.
Coding change: c.886C>G on transcript NM_133444.3 (MANE Select); coding-DNA position 886, C replaced by G.
Protein change: p.His296Asp; replaces histidine 296 with aspartic acid.
Molecular consequence: missense variant.
Genome position (GRCh38, 1-based): chr19:42,225,289, C>G. VCF-style: chr19-42225289-C-G. GRCh37 (hg19) VCF-style: chr19-42729441-C-G.
Other names: c.886C>G, p.His296Asp (NM_001314033.3); short protein forms H296D.
Identifiers: ClinVar variation 4538104 (VCV004538104.1).

ClinVar aggregate classification (germline): Uncertain significance (1 of 4 stars; one submission).

Submission:

GeneDx
Classification: Uncertain significance. Last evaluated: 2025-06-09. Review status: criteria provided, single submitter. Criteria: GeneDx Variant Classification Process June 2021. Collection method: clinical testing. Allele origin: germline. Affected: yes.
Comment: In silico analysis suggests that this missense variant does not alter protein structure/function; Has not been previously published as pathogenic or benign to our knowledge